The following is an entry in ClinVar:

ClinVar aggregate classification (germline): Likely benign (1 of 4 stars; one submission).

Conditions:
COL12A1-related disorder. Also called: COL12A1-related condition.

gnomAD v4.1: 1 of 1,596,604 alleles (0.000063%); highest among the groups gnomAD compares: African/African-American, 0.0014%; no homozygotes.

Submission:

PreventionGenetics, part of Exact Sciences
Classification: Likely benign for COL12A1-related condition. Last evaluated: 2024-11-09. Review status: criteria provided, single submitter. Criteria: ACMG Guidelines, 2015. Collection method: clinical testing. Allele origin: germline.
Comment: This variant is classified as likely benign based on ACMG/AMP sequence variant interpretation guidelines (Richards et al. 2015 PMID: 25741868, with internal and published modifications).

NM_004370.6(COL12A1):c.363G>T (p.Val121=)

Gene: COL12A1 (collagen type XII alpha 1 chain; minus strand). Cytogenetic location: 6q13.
Variant type: single nucleotide variant.
Coding change: c.363G>T on transcript NM_004370.6 (MANE Select); coding-DNA position 363, G replaced by T.
Protein change: p.Val121=; no amino-acid change (valine 121 retained).
Molecular consequence: synonymous variant. On other transcripts: intron variant (2).
Genome position (GRCh38, 1-based): chr6:75,191,732, C>A on the plus strand (G>T on the coding strand, the complement: COL12A1 is on the minus strand). VCF-style: chr6-75191732-C-A. GRCh37 (hg19) VCF-style: chr6-75901448-C-A.
Other names: c.363G>T, p.Val121= (NM_001424113.1, NM_001424114.1, NM_001424115.1); c.73+10988G>T (NM_001424116.1, NM_080645.3).
Identifiers: ClinVar variation 4982158 (VCV004982158.1).
Genomic context (GRCh38, chr6:75,191,732, plus strand): 5'-TAAGCAAAAATAGTAAGAGAAACACTCACTTTGTATCTCGGTTTTTCCAGGTTTCTTCTC[C>A]ACTGGCTTTGTCGAACTACCTGTTTGAACTAAGTTAAAACTTTATTATTACAAAAGGAAA-3'
Protein context (NP_004361.3, residues 111-131): TIQTGSSTKP[Val121=]EKKPGKTEIQ